The following is an entry in ClinVar:

ClinVar aggregate classification (germline): Conflicting classifications of pathogenicity. Review status: criteria provided, conflicting classifications (1 of 4 stars). 4 submissions from 4 submitters: Uncertain significance (1); Likely benign (2). 1 of the submissions does not count toward it. Last evaluated 2025-11-25.

Conditions:
MYH2-related disorder. Also called: MYH2-related condition.
Myopathy, proximal, and ophthalmoplegia (CMYO6). Also called: MYOPATHY WITH CONGENITAL JOINT CONTRACTURES, OPHTHALMOPLEGIA, AND RIMMED VACUOLES; INCLUSION BODY MYOPATHY 3, AUTOSOMAL DOMINANT; CONGENITAL MYOPATHY 6 WITH OPHTHALMOPLEGIA. Identifiers: Orphanet 363677, Orphanet 79091, MedGen C1854106, MONDO:0011577, OMIM 605637.

Allele frequency attached by ClinVar (database versions not stated): TOPMed below 0.00001; gnomAD exomes 0.00002.
gnomAD v4.1: 24 of 1,614,226 alleles (0.0015%); highest among the groups gnomAD compares: Middle Eastern, 0.38%; 1 homozygote.

Submissions (4):

Women's Health and Genetics/Laboratory Corporation of America, LabCorp
Classification: Likely benign. Last evaluated: 2025-11-25. Review status: criteria provided, single submitter. Criteria: LabCorp Variant Classification Summary - May 2015. Collection method: clinical testing. Allele origin: germline.

Labcorp Genetics (formerly Invitae), Labcorp
Classification: Likely benign for Myopathy, proximal, and ophthalmoplegia. Last evaluated: 2025-01-20. Review status: criteria provided, single submitter. Criteria: Invitae Variant Classification Sherloc (09022015). Collection method: clinical testing. Allele origin: germline.

Revvity Omics, Revvity
Classification: Uncertain significance for Myopathy, proximal, and ophthalmoplegia. Last evaluated: 2024-09-02. Review status: criteria provided, single submitter. Criteria: ACMG Guidelines, 2015. Collection method: clinical testing. Allele origin: germline.

PreventionGenetics, part of Exact Sciences
Classification: Likely benign for MYH2-related condition. Last evaluated: 2019-04-24. Review status: no assertion criteria provided. Collection method: clinical testing. Allele origin: germline. Not counted in ClinVar's aggregate classification.
Comment: This variant is classified as likely benign based on ACMG/AMP sequence variant interpretation guidelines (Richards et al. 2015 PMID: 25741868, with internal and published modifications).

NM_017534.6(MYH2):c.5302-7T>C

Genes: MYHAS (myosin heavy chain gene cluster antisense RNA; plus strand), MYH2 (myosin heavy chain 2; minus strand). Cytogenetic location: 17p13.1.
Variant type: single nucleotide variant.
Coding change: c.5302-7T>C on transcript NM_017534.6 (MANE Select); 7 bases into the intron before coding-DNA position 5302, T replaced by C.
Molecular consequence: intron variant.
Genome position (GRCh38, 1-based): chr17:10,523,673, A>G on the plus strand (T>C on the coding strand, the complement: MYH2 is on the minus strand). VCF-style: chr17-10523673-A-G. GRCh37 (hg19) VCF-style: chr17-10426990-A-G.
Other names: c.5302-7T>C (NM_001100112.2).
Identifiers: ClinVar variation 3047454 (VCV003047454.6), dbSNP rs867201474, ClinGen allele CA287734941.
Genomic context (GRCh38, chr17:10,523,673, plus strand): 5'-CAGGTGGGCGCTGGTGTCCTGCTCCTTCTTCAGCTCCTCAGCCATCATGGCGGCCTAAAT[A>G]GCAAATAAATCAAGAAAACCAAGAAAGTTATAGATGTCAGGAAATCTTACTGCTAAATCA-3'